The following is an entry in ClinVar:

ClinVar aggregate classification (germline): Benign. Review status: criteria provided, single submitter (1 of 4 stars). 2 submissions from 2 submitters: Benign (1). 1 of the submissions does not count toward it. Last evaluated 2025-12-08.

Conditions:
ANK3-related disorder. Also called: ANK3-related condition.

Allele frequency attached by ClinVar (database versions not stated): gnomAD 0.00001 and 0.00077; gnomAD exomes 0.00252; ExAC 0.00283; 1000 Genomes Project 0.00300; 1000 Genomes Project 30x 0.00312.
gnomAD v4.1: 1,949 of 1,613,494 alleles (0.12%); highest among the groups gnomAD compares: South Asian, 2%; 49 homozygotes.

Submissions (2):

Labcorp Genetics (formerly Invitae), Labcorp
Classification: Benign. Last evaluated: 2025-12-08. Review status: criteria provided, single submitter. Criteria: Invitae Variant Classification Sherloc (09022015). Collection method: clinical testing. Allele origin: germline.

PreventionGenetics, part of Exact Sciences
Classification: Benign for ANK3-related condition. Last evaluated: 2024-02-16. Review status: no assertion criteria provided. Collection method: clinical testing. Allele origin: germline. Not counted in ClinVar's aggregate classification.
Comment: This variant is classified as benign based on ACMG/AMP sequence variant interpretation guidelines (Richards et al. 2015 PMID: 25741868, with internal and published modifications).

NM_020987.5(ANK3):c.2622T>A (p.Asp874Glu)

Gene: ANK3 (ankyrin 3; minus strand). Cytogenetic location: 10q21.2.
Variant type: single nucleotide variant.
Coding change: c.2622T>A on transcript NM_020987.5 (MANE Select); coding-DNA position 2622, T replaced by A.
Protein change: p.Asp874Glu; replaces aspartic acid 874 with glutamic acid.
Molecular consequence: missense variant.
Genome position (GRCh38, 1-based): chr10:60,139,080, A>T on the plus strand (T>A on the coding strand, the complement: ANK3 is on the minus strand). VCF-style: chr10-60139080-A-T. GRCh37 (hg19) VCF-style: chr10-61898838-A-T.
Other names: c.2622T>A (NM_020987.4); c.24T>A, p.Asp8Glu (NM_001149.4); c.2604T>A, p.Asp868Glu (NM_001204403.2); c.2625T>A, p.Asp875Glu (NM_001204404.2); c.2622T>A, p.Asp874Glu (NM_001320874.2); short protein forms D868E, D874E, D875E, D8E.
Identifiers: ClinVar variation 1566252 (VCV001566252.10), dbSNP rs564078262, ClinGen allele CA5512710.